The following is an entry in ClinVar:

NM_000202.8(IDS):c.709-1G>A

Genes: IDS (iduronate 2-sulfatase; minus strand), LOC106050102 (IDS recombination region; plus strand). Cytogenetic location: Xq28.
Variant type: single nucleotide variant.
Coding change: c.709-1G>A on transcript NM_000202.8 (MANE Select); the canonical splice acceptor site of the intron before coding-DNA position 709, G replaced by A.
Molecular consequence: splice acceptor variant.
Genome position (GRCh38, 1-based): chrX:149,496,517, C>T on the plus strand (G>A on the coding strand, the complement: IDS is on the minus strand). VCF-style: chrX-149496517-C-T. GRCh37 (hg19) VCF-style: chrX-148578048-C-T.
Other names: NC_000023.10:g.148578048C>T; c.439-1G>A (NM_001166550.4); c.709-1G>A (NM_006123.5).
Identifiers: ClinVar variation 997025 (VCV000997025.4), dbSNP rs2089438403, ClinGen allele CA414522113.
Genomic context (GRCh38, chrX:149,496,517, plus strand): 5'-AGGGACCTCGGGATCGGGGGCCAGGGTGATGTTCTCCAAGGGATACAACTTCTGAAATTC[C>T]TTGGGGAAAAACACAAAGCCACAAAGTTGTCACTCTTTTAGCAAAAGCACAAGCTTGTGG-3'

ClinVar aggregate classification (germline): Pathogenic/Likely pathogenic. Review status: criteria provided, multiple submitters, no conflicts (2 of 4 stars). 2 submissions from 2 submitters: Pathogenic (1); Likely pathogenic (1). Last evaluated 2024-06-07.

Conditions:
Mucopolysaccharidosis, MPS-II (MPS2). Also called: Mucopolysaccharidosis type 2; Hunter Syndrome; IDURONATE 2-SULFATASE DEFICIENCY; Mucopolysaccharidosis Type II; IDS deficiency; Sulfoiduronate sulfatase deficiency. Identifiers: Orphanet 580, Orphanet 79388, MedGen C0026705, MONDO:0010674, OMIM 309900.

Submissions (3):

Laboratory of Diagnosis and Therapy of Lysosomal Disorders, University of Padova
Classification: Likely pathogenic for Mucopolysaccharidosis, MPS-II. Last evaluated: 2024-06-07. Review status: criteria provided, single submitter. Criteria: ACMG Guidelines, 2015. Collection method: literature only. Allele origin: germline. Affected: yes. Observed: 3 variant alleles.
Comment: Null variant (PVS1_Strong), Absent from controls (or at low frequency) in gnomAD database (PM2_Moderate), Patient’s phenotype or family history highly specific for the disease (PP4_Moderate)

Classification method: ACMG Guidelines [PMID:25741868] with modifications

Department of Medical Genetics, Sanjay Gandhi Post Graduate Institute of Medical Sciences
Classification: Pathogenic for Mucopolysaccharidosis, MPS-II. Review status: criteria provided, single submitter. Criteria: ACMG Guidelines, 2015. Collection method: clinical testing. Allele origin: germline. Inheritance: X-linked recessive inheritance. Affected: yes. Observed: 1 variant allele, 1 hemizygote.

Dr. Peter K. Rogan Lab, Western University
No classification provided (evidence only). Condition: Thyroid cancer, nonmedullary, 1. Review status: no classification provided. Collection method: in vitro. Allele origin: not applicable. Functional consequence: retained intron. Not counted in ClinVar's aggregate classification.

Literature cited by the submitters: PubMed 35144014 (cited by Laboratory of Diagnosis and Therapy of Lysosomal Disorders, University of Padova); PubMed 34813777 (cited by Laboratory of Diagnosis and Therapy of Lysosomal Disorders, University of Padova); PubMed 28186595 (cited by Laboratory of Diagnosis and Therapy of Lysosomal Disorders, University of Padova).